The following is an entry in ClinVar:

NM_198271.5(LMOD3):c.1426C>G (p.Pro476Ala)

Gene: LMOD3 (leiomodin 3; minus strand). Cytogenetic location: 3p14.1.
Variant type: single nucleotide variant.
Coding change: c.1426C>G on transcript NM_198271.5 (MANE Select); coding-DNA position 1426, C replaced by G.
Protein change: p.Pro476Ala; replaces proline 476 with alanine.
Molecular consequence: missense variant.
Genome position (GRCh38, 1-based): chr3:69,118,929, G>C on the plus strand (C>G on the coding strand, the complement: LMOD3 is on the minus strand). VCF-style: chr3-69118929-G-C. GRCh37 (hg19) VCF-style: chr3-69168080-G-C.
Other names: c.1426C>G, p.Pro476Ala (NM_001304418.3); short protein forms P476A.
Identifiers: ClinVar variation 4536505 (VCV004536505.1).

ClinVar aggregate classification (germline): Uncertain significance (1 of 4 stars; one submission).

Submission:

GeneDx
Classification: Uncertain significance. Last evaluated: 2025-06-05. Review status: criteria provided, single submitter. Criteria: GeneDx Variant Classification Process June 2021. Collection method: clinical testing. Allele origin: germline. Affected: yes.
Comment: Not observed at significant frequency in large population cohorts (gnomAD); In silico analysis suggests that this missense variant does not alter protein structure/function; Has not been previously published as pathogenic or benign to our knowledge